The following is an entry in ClinVar:

NM_001105206.3(LAMA4):c.1642C>T (p.Leu548Phe)

Gene: LAMA4 (laminin subunit alpha 4; minus strand). Cytogenetic location: 6q21.
Variant type: single nucleotide variant.
Coding change: c.1642C>T on transcript NM_001105206.3 (MANE Select); coding-DNA position 1642, C replaced by T.
Protein change: p.Leu548Phe; replaces leucine 548 with phenylalanine.
Molecular consequence: missense variant.
Genome position (GRCh38, 1-based): chr6:112,165,186, G>A on the plus strand (C>T on the coding strand, the complement: LAMA4 is on the minus strand). VCF-style: chr6-112165186-G-A. GRCh37 (hg19) VCF-style: chr6-112486388-G-A.
Other names: c.1621C>T, p.Leu541Phe (NM_001105207.3, NM_002290.5); short protein forms L548F, L541F.
Identifiers: ClinVar variation 1776614 (VCV001776614.7), dbSNP rs566357455, ClinGen allele CA144873984.
Genomic context (GRCh38, chr6:112,165,186, plus strand): 5'-AATACAAACCTGAACAAGTCACGTGCGTCCTTACCTTTATTATATCATCAAGTTCTGAAA[G>A]AGTTAGACGAGGTGTTGTCAGAGAGTCCGCAGATGTGCTCAGAGACATGTTCACCACTTC-3'
Protein context (NP_001098676.2, residues 538-558): ADSLTTPRLT[Leu548Phe]SELDDIIKNA

ClinVar aggregate classification (germline): Conflicting classifications of pathogenicity. Review status: criteria provided, conflicting classifications (1 of 4 stars). 3 submissions from 3 submitters: Uncertain significance (2); Likely benign (1). Last evaluated 2026-03-26.

Conditions:
Dilated cardiomyopathy 1JJ (CMD1JJ). Identifiers: Orphanet 154, MedGen C3808935, MONDO:0014095, OMIM 615235.
Cardiovascular phenotype. Identifiers: MedGen CN230736.

Allele frequency attached by ClinVar (database versions not stated): gnomAD exomes below 0.00001; TOPMed 0.00003; gnomAD 0.00007.
gnomAD v4.1: 14 of 1,609,984 alleles (0.00087%); highest among the groups gnomAD compares: African/African-American, 0.016%; no homozygotes.

Submissions (3):

Ambry Genetics
Classification: Likely benign for Cardiovascular phenotype. Last evaluated: 2026-03-26. Review status: criteria provided, single submitter. Criteria: Ambry Variant Classification Scheme 2023. Collection method: clinical testing. Allele origin: germline.

Labcorp Genetics (formerly Invitae), Labcorp
Classification: Uncertain significance for Dilated cardiomyopathy 1JJ. Last evaluated: 2024-10-29. Review status: criteria provided, single submitter. Criteria: Invitae Variant Classification Sherloc (09022015). Collection method: clinical testing. Allele origin: germline.
Comment: This sequence change replaces leucine, which is neutral and non-polar, with phenylalanine, which is neutral and non-polar, at codon 541 of the LAMA4 protein (p.Leu541Phe). This variant is present in population databases (rs566357455, gnomAD 0.05%). This variant has not been reported in the literature in individuals affected with LAMA4-related conditions. ClinVar contains an entry for this variant (Variation ID: 1776614). Invitae Evidence Modeling of protein sequence and biophysical properties (such as structural, functional, and spatial information, amino acid conservation, physicochemical variation, residue mobility, and thermodynamic stability) indicates that this missense variant is not expected to disrupt LAMA4 protein function with a negative predictive value of 80%. In summary, the available evidence is currently insufficient to determine the role of this variant in disease. Therefore, it has been classified as a Variant of Uncertain Significance.

GeneDx
Classification: Uncertain significance. Last evaluated: 2024-09-17. Review status: criteria provided, single submitter. Criteria: GeneDx Variant Classification Process June 2021. Collection method: clinical testing. Allele origin: germline. Affected: yes.
Comment: Has not been previously published as pathogenic or benign to our knowledge; In silico analysis supports that this missense variant has a deleterious effect on protein structure/function